The following is an entry in ClinVar:

NM_006766.5(KAT6A):c.5060_5065dup (p.Gln1688_Gln1689insProGln)

Gene: KAT6A (lysine acetyltransferase 6A; minus strand). Cytogenetic location: 8p11.21.
Variant type: Duplication.
Coding change: c.5060_5065dup on transcript NM_006766.5 (MANE Select); coding-DNA positions 5060 to 5065, 6 bases duplicated (CCCAGC; older notation c.5060_5065dupCCCAGC).
Protein change: p.Gln1688_Gln1689insProGln.
Genome position (GRCh38, 1-based): chr8:41,933,155-41,933,160, GCTGGG duplicated on the plus strand (CCCAGC on the coding strand, the reverse complement: KAT6A is on the minus strand); duplicating any 6 consecutive bases within chr8:41,933,155-41,933,164 gives the same sequence; the c. name uses the placement nearest the transcript's 3' end. VCF-style (leftmost placement, unchanged base first): chr8-41933154-T-TGCTGGG. GRCh37 (hg19) VCF-style: chr8-41790672-T-TGCTGGG.
Identifiers: ClinVar variation 4766556 (VCV004766556.1).

ClinVar aggregate classification (germline): Uncertain significance (1 of 4 stars; one submission).

Submission:

Labcorp Genetics (formerly Invitae), Labcorp
Classification: Uncertain significance. Last evaluated: 2026-01-12. Review status: criteria provided, single submitter. Criteria: Invitae Variant Classification Sherloc (09022015). Collection method: clinical testing. Allele origin: germline.
Comment: This variant, c.5060_5065dup, results in the insertion of 2 amino acid(s) of the KAT6A protein (p.Pro1687_Gln1688dup), but otherwise preserves the integrity of the reading frame. The frequency data for this variant in the population databases is considered unreliable, as metrics indicate poor data quality at this position in the gnomAD database. This variant has not been reported in the literature in individuals affected with KAT6A-related conditions. In summary, the available evidence is currently insufficient to determine the role of this variant in disease. Therefore, it has been classified as a Variant of Uncertain Significance.